The following is an entry in ClinVar:

NM_000834.5(GRIN2B):c.730G>T (p.Ala244Ser)

Gene: GRIN2B (glutamate ionotropic receptor NMDA type subunit 2B; minus strand). Cytogenetic location: 12p13.1.
Variant type: single nucleotide variant.
Coding change: c.730G>T on transcript NM_000834.5 (MANE Select); coding-DNA position 730, G replaced by T.
Protein change: p.Ala244Ser; replaces alanine 244 with serine.
Molecular consequence: missense variant.
Genome position (GRCh38, 1-based): chr12:13,753,597, C>A on the plus strand (G>T on the coding strand, the complement: GRIN2B is on the minus strand). VCF-style: chr12-13753597-C-A. GRCh37 (hg19) VCF-style: chr12-13906531-C-A.
Other names: short protein forms A244S.
Identifiers: ClinVar variation 432918 (VCV000432918.2), dbSNP rs1555133062, ClinGen allele CA384053689.

ClinVar aggregate classification (germline): Uncertain significance (1 of 4 stars; one submission).

Submission:

GeneDx
Classification: Uncertain significance. Last evaluated: 2017-06-22. Review status: criteria provided, single submitter. Criteria: GeneDx Variant Classification (06012015). Collection method: clinical testing. Allele origin: germline. Affected: yes.
Comment: A variant of uncertain significance has been identified in the GRIN2B gene. The A244S variant has not been published as a pathogenic variant, nor has it been reported as a benign variant to our knowledge. The A244S variant is not observed in large population cohorts (Lek et al., 2016; 1000 Genomes Consortium et al., 2015; Exome Variant Server). The A244S variant is a non-conservative amino acid substitution, which is likely to impact secondary protein structure as these residues differ in polarity, charge, size and/or other properties. This substitution occurs at a position that is conserved across species, and in silico analysis predicts this variant is probably damaging to the protein structure/function. However, missense variants in nearby residues have not been reported in the Human Gene Mutation Database in association with GRIN2B-related disorders (Stenson et al., 2014). Therefore, based on the currently available information, it is unclear whether this variant is a pathogenic variant or a rare benign variant.